The following is an entry in ClinVar:

NM_001365951.3(KIF1B):c.4055+6A>G

Gene: KIF1B (kinesin family member 1B; plus strand). Cytogenetic location: 1p36.22.
Variant type: single nucleotide variant.
Coding change: c.4055+6A>G on transcript NM_001365951.3 (MANE Select); 6 bases into the intron after coding-DNA position 4055, A replaced by G.
Molecular consequence: intron variant.
Genome position (GRCh38, 1-based): chr1:10,352,742, A>G. VCF-style: chr1-10352742-A-G. GRCh37 (hg19) VCF-style: chr1-10412800-A-G.
Other names: c.3917+6A>G (NM_015074.3); c.4055+6A>G (NM_001365952.1).
Identifiers: ClinVar variation 240958 (VCV000240958.25), dbSNP rs76519832, ClinGen allele CA581965.

ClinVar aggregate classification (germline): Benign. Review status: criteria provided, multiple submitters, no conflicts (2 of 4 stars). 4 submissions from 4 submitters: Benign (4). Last evaluated 2026-02-03.

Conditions:
Charcot-Marie-Tooth disease type 2. Also called: Charcot-Marie-Tooth type 2. Identifiers: Orphanet 64746, MedGen C0270914, MONDO:0018993.
Charcot-Marie-Tooth disease. Also called: Charcot-Marie-Tooth Neuropathy; Charcot-Marie-Tooth Hereditary Neuropathy. Identifiers: Orphanet 166, MedGen C0007959, MONDO:0015626.
Neuroblastoma (NB). Identifiers: Orphanet 635, MedGen C0027819, MeSH D009447, MONDO:0005072, HP:0003006.

Allele frequency attached by ClinVar (database versions not stated): gnomAD 0.00707 and 0.00655; TOPMed 0.00767; gnomAD exomes 0.00181 and 0.00065; ExAC 0.00231; 1000 Genomes Project 0.00819; ESP Exome Variant Server 0.00838; 1000 Genomes Project 30x 0.00921.
gnomAD v4.1: 1,965 of 1,604,990 alleles (0.12%); highest among the groups gnomAD compares: African/African-American, 2.4%; 17 homozygotes.

Submissions (4):

Labcorp Genetics (formerly Invitae), Labcorp
Classification: Benign for Charcot-Marie-Tooth disease type 2. Last evaluated: 2026-02-03. Review status: criteria provided, single submitter. Criteria: Invitae Variant Classification Sherloc (09022015). Collection method: clinical testing. Allele origin: germline.

ARUP Laboratories, Molecular Genetics and Genomics, ARUP Laboratories
Classification: Benign. Last evaluated: 2021-03-04. Review status: criteria provided, single submitter. Criteria: ARUP Molecular Germline Variant Investigation Process 2021. Collection method: clinical testing. Allele origin: germline.

Illumina Laboratory Services, Illumina
Classification: Benign for Neuroblastoma. Last evaluated: 2018-01-12. Review status: criteria provided, single submitter. Criteria: ICSL Variant Classification Criteria 13 December 2019. Collection method: clinical testing. Allele origin: germline.
Comment: This variant was observed in the ICSL laboratory as part of a predisposition screen in an ostensibly healthy population. It had not been previously curated by ICSL or reported in the Human Gene Mutation Database (HGMD: prior to June 1st, 2018), and was therefore a candidate for classification through an automated scoring system. Utilizing variant allele frequency, disease prevalence and penetrance estimates, and inheritance mode, an automated score was calculated to assess if this variant is too frequent to cause the disease. Based on the score and internal cut-off values, a variant classified as benign is not then subjected to further curation. The score for this variant resulted in a classification of benign for this disease.

Molecular Genetics Laboratory, London Health Sciences Centre
Classification: Benign for Charcot-Marie-Tooth disease. Review status: criteria provided, single submitter. Criteria: ACMG Guidelines, 2015. Collection method: clinical testing. Allele origin: germline. Affected: yes.